The following is an entry in ClinVar:

ClinVar aggregate classification (germline): Uncertain significance (1 of 4 stars; one submission).

Submission:

Ambry Genetics
Classification: Uncertain significance. Last evaluated: 2026-02-23. Review status: criteria provided, single submitter. Criteria: Ambry Variant Classification Scheme 2023. Collection method: clinical testing. Allele origin: germline.
Comment: The p.S254N variant (also known as c.761G>A), located in coding exon 1 of the TET2 gene, results from a G to A substitution at nucleotide position 761. The serine at codon 254 is replaced by asparagine, an amino acid with highly similar properties. This amino acid position is conserved. In addition, this alteration is predicted to be tolerated by in silico analysis. Based on the available evidence, the clinical significance of this variant remains unclear.

NM_001127208.3(TET2):c.761G>A (p.Ser254Asn)

Genes: TET2 (tet methylcytosine dioxygenase 2; plus strand), TET2-AS1 (TET2 antisense RNA 1; minus strand). Cytogenetic location: 4q24.
Variant type: single nucleotide variant.
Coding change: c.761G>A on transcript NM_001127208.3 (MANE Select); coding-DNA position 761, G replaced by A.
Protein change: p.Ser254Asn; replaces serine 254 with asparagine.
Molecular consequence: missense variant.
Genome position (GRCh38, 1-based): chr4:105,234,703, G>A. VCF-style: chr4-105234703-G-A. GRCh37 (hg19) VCF-style: chr4-106155860-G-A.
Other names: c.761G>A, p.Ser254Asn (NM_017628.4); short protein forms S254N.
Identifiers: ClinVar variation 4827240 (VCV004827240.1).